The following is an entry in ClinVar:

ClinVar aggregate classification (germline): Benign/Likely benign. Review status: criteria provided, multiple submitters, no conflicts (2 of 4 stars). 3 submissions from 3 submitters: Benign (1); Likely benign (2). Last evaluated 2025-09-21.

Conditions:
Hereditary cancer-predisposing syndrome. Also called: Hereditary neoplastic syndrome; Hereditary Cancer Syndrome; Tumor predisposition; Neoplastic Syndromes, Hereditary. Identifiers: Orphanet 140162, MedGen C0027672, MeSH D009386, MONDO:0015356.
Breast-ovarian cancer, familial, susceptibility to, 3. Also called: RAD51C-Related Breast/Ovarian Cancer. Identifiers: Orphanet 145, MedGen C3150659, MONDO:0013253, OMIM 613399.
Fanconi anemia complementation group O. Also called: RAD51C-Related Fanconi Anemia. Identifiers: Orphanet 84, MedGen C3150653, MONDO:0013248, OMIM 613390.

gnomAD v4.1: 1 of 1,614,190 alleles (0.000062%); no homozygotes.

Submissions (3):

Ambry Genetics
Classification: Likely benign for Hereditary cancer-predisposing syndrome. Last evaluated: 2025-09-21. Review status: criteria provided, single submitter. Criteria: Ambry Variant Classification Scheme 2023. Collection method: clinical testing. Allele origin: germline.

Myriad Genetics, Inc.
Classification: Benign for Breast-ovarian cancer, familial, susceptibility to, 3. Last evaluated: 2025-02-13. Review status: criteria provided, single submitter. Criteria: Myriad Autosomal Dominant, Autosomal Recessive and X-Linked Classification Criteria (2023). Collection method: clinical testing. Allele origin: unknown.
Comment: This variant is considered benign. This variant is a silent/synonymous amino acid change and it is not expected to impact splicing.

Labcorp Genetics (formerly Invitae), Labcorp
Classification: Likely benign for Fanconi anemia complementation group O. Last evaluated: 2021-06-05. Review status: criteria provided, single submitter. Criteria: Invitae Variant Classification Sherloc (09022015). Collection method: clinical testing. Allele origin: germline.

NM_058216.3(RAD51C):c.9G>A (p.Gly3=)

Gene: RAD51C (RAD51 paralog C; plus strand). Cytogenetic location: 17q22.
Variant type: single nucleotide variant.
Coding change: c.9G>A on transcript NM_058216.3 (MANE Select); coding-DNA position 9, G replaced by A.
Protein change: p.Gly3=; no amino-acid change (glycine 3 retained).
Molecular consequence: synonymous variant. On other transcripts: non-coding transcript variant (2).
Genome position (GRCh38, 1-based): chr17:58,692,652, G>A. VCF-style: chr17-58692652-G-A. GRCh37 (hg19) VCF-style: chr17-56770013-G-A.
Other names: c.9G>A, p.Gly3= (NM_002876.4); c.9G>A (NM_058216.1).
Identifiers: ClinVar variation 1664751 (VCV001664751.10), dbSNP rs751117852, ClinGen allele CA501074325.